The following is an entry in ClinVar:

NM_000023.4(SGCA):c.37+1G>A

Gene: SGCA (sarcoglycan alpha; plus strand). Cytogenetic location: 17q21.33.
Variant type: single nucleotide variant.
Coding change: c.37+1G>A on transcript NM_000023.4 (MANE Select); the canonical splice donor site of the intron after coding-DNA position 37, G replaced by A.
Molecular consequence: splice donor variant.
Genome position (GRCh38, 1-based): chr17:50,166,078, G>A. VCF-style: chr17-50166078-G-A. GRCh37 (hg19) VCF-style: chr17-48243439-G-A.
Other names: c.37+1G>A (NM_001135697.3).
Identifiers: ClinVar variation 2585416 (VCV002585416.1), dbSNP rs111386656, ClinGen allele CA291568970.

ClinVar aggregate classification (germline): Likely pathogenic (1 of 4 stars; one submission).

Conditions:
Autosomal recessive limb-girdle muscular dystrophy type 2D (LGMDR3). Also called: ADHALINOPATHY, PRIMARY; MUSCULAR DYSTROPHY, LIMB-GIRDLE, AUTOSOMAL RECESSIVE 3; DUCHENNE-LIKE AUTOSOMAL RECESSIVE MUSCULAR DYSTROPHY, TYPE 2. Identifiers: Orphanet 62, MedGen C2936332, MONDO:0011968, OMIM 608099. Disease mechanism: Affects gamma-sarcoglycan and also disrupts the integrity of the entire sarcoglycan complex..

Submission:

Neuberg Centre For Genomic Medicine, NCGM
Classification: Likely pathogenic for Autosomal recessive limb-girdle muscular dystrophy type 2D. Review status: criteria provided, single submitter. Criteria: ACMG Guidelines, 2015. Collection method: clinical testing. Allele origin: germline. Inheritance: Autosomal recessive inheritance. Affected: yes.
Comment: The splice donor c.37+1G>A variant in SGCA gene has not been reported previously as a pathogenic variant nor as a benign variant, to our knowledge. The variant is novel (not in any individuals) in 1000 Genomes and in gnomAD. The nucleotide change in SGCA is predicted as conserved by GERP++ and PhyloP across 100 vertebrates. Loss of function variants have been previously reported to be disease causing. For these reasons, this variant has been classified as Likely Pathogenic.